The following is an entry in ClinVar:

ClinVar aggregate classification (germline): Likely pathogenic (1 of 4 stars; one submission).

Conditions:
alpha Thalassemia. Also called: Alpha thalassemia spectrum. Identifiers: Orphanet 846, MedGen C0002312, MONDO:0011399, OMIM 604131.

Submission:

Natera, Inc.
Classification: Likely pathogenic for Alpha thalassemia. Last evaluated: 2024-12-06. Review status: criteria provided, single submitter. Criteria: Natera Variant Classification Schema (03/2026). Collection method: clinical testing. Allele origin: germline.
Comment: The c.52delG variant in HBA2 is a frameshift variant predicted to shift the reading frame beginning at codon 18 and leads to a stop codon 32 codons downstream. This variant is expected to result in nonsense mediated decay, truncation, or a dysfunctional protein product. This variant is rare in the general population with a frequency below the threshold expected for the associated phenotype(s). Given the available evidence, this variant is classified as Likely Pathogenic.

NM_000517.6(HBA2):c.52del (p.Val18fs)

Genes: HBA2 (hemoglobin subunit alpha 2; plus strand), LOC106804612 (hemoglobin subunit alpha 2 recombination region; plus strand). Cytogenetic location: 16p13.3.
Variant type: Deletion.
Coding change: c.52del on transcript NM_000517.6 (MANE Select); coding-DNA position 52, one base deleted (G; older notation c.52delG).
Protein change: p.Val18fs; shifts the reading frame from valine 18.
Molecular consequence: frameshift variant.
Genome position (GRCh38, 1-based): chr16:172,964, G deleted; the last of 2 consecutive G bases (chr16:172,963-172,964); deleting either gives the same sequence. VCF-style (leftmost placement, unchanged base first): chr16-172962-AG-A. GRCh37 (hg19) VCF-style: chr16-222961-AG-A.
Other names: short protein forms V18fs.
Identifiers: ClinVar variation 4818672 (VCV004818672.1).